The following is an entry in ClinVar:

NM_001943.5(DSG2):c.361G>T (p.Glu121Ter)

Gene: DSG2 (desmoglein 2; plus strand). Cytogenetic location: 18q12.1.
Variant type: single nucleotide variant.
Coding change: c.361G>T on transcript NM_001943.5 (MANE Select); coding-DNA position 361, G replaced by T.
Protein change: p.Glu121Ter; replaces glutamic acid 121 with a stop codon.
Molecular consequence: nonsense.
Genome position (GRCh38, 1-based): chr18:31,520,947, G>T. VCF-style: chr18-31520947-G-T. GRCh37 (hg19) VCF-style: chr18-29100910-G-T.
Other names: short protein forms E121*.
Identifiers: ClinVar variation 2110919 (VCV002110919.4), dbSNP rs2510910881, ClinGen allele CA402131655.

ClinVar aggregate classification (germline): Pathogenic (1 of 4 stars; one submission).

Conditions:
Arrhythmogenic right ventricular dysplasia 10. Also called: ARRHYTHMOGENIC RIGHT VENTRICULAR DYSPLASIA, FAMILIAL, 10; Arrhythmogenic right ventricular dysplasia/cardiomyopathy, type 10; Arrhythmogenic Right Ventricular Dysplasia/Cardiomyopathy10. Identifiers: MedGen C1857777, MONDO:0012434, OMIM 610193.

Submission:

Labcorp Genetics (formerly Invitae), Labcorp
Classification: Pathogenic for Arrhythmogenic right ventricular dysplasia 10. Last evaluated: 2022-03-13. Review status: criteria provided, single submitter. Criteria: Invitae Variant Classification Sherloc (09022015). Collection method: clinical testing. Allele origin: germline.
Comment: This sequence change creates a premature translational stop signal (p.Glu121*) in the DSG2 gene. It is expected to result in an absent or disrupted protein product. Loss-of-function variants in DSG2 are known to be pathogenic (PMID: 17105751, 31386562). This variant is not present in population databases (gnomAD no frequency). This variant has not been reported in the literature in individuals affected with DSG2-related conditions. For these reasons, this variant has been classified as Pathogenic.

Literature cited by the submitters: PubMed 17105751; PubMed 31386562.